The following is an entry in ClinVar:

NM_004130.4(GYG1):c.481+2T>C

Gene: GYG1 (glycogenin 1; plus strand). Cytogenetic location: 3q24.
Variant type: single nucleotide variant.
Coding change: c.481+2T>C on transcript NM_004130.4 (MANE Select); the canonical splice donor site of the intron after coding-DNA position 481, T replaced by C.
Molecular consequence: splice donor variant.
Genome position (GRCh38, 1-based): chr3:148,996,906, T>C. VCF-style: chr3-148996906-T-C. GRCh37 (hg19) VCF-style: chr3-148714693-T-C.
Other names: c.481+2T>C (NM_001184720.2, NM_001184721.2).
Identifiers: ClinVar variation 1516792 (VCV001516792.6), dbSNP rs1173594490, ClinGen allele CA354903448.

ClinVar aggregate classification (germline): Likely pathogenic (1 of 4 stars; one submission).

Conditions:
Glycogen storage disease XV (GSD15). Also called: GLYCOGENIN DEFICIENCY; GSD XV. Identifiers: Orphanet 263297, MedGen C3150754, MONDO:0013291, OMIM 613507.
Polyglucosan body myopathy type 2. Identifiers: Orphanet 456369, MedGen C4015452, MONDO:0014526, OMIM 616199.

Allele frequency attached by ClinVar (database versions not stated): gnomAD exomes below 0.00001; gnomAD 0.00001; TOPMed 0.00001.

Submission:

Labcorp Genetics (formerly Invitae), Labcorp
Classification: Likely pathogenic for Polyglucosan body myopathy type 2; Glycogen storage disease XV. Last evaluated: 2025-09-21. Review status: criteria provided, single submitter. Criteria: Invitae Variant Classification Sherloc (09022015). Collection method: clinical testing. Allele origin: germline.
Comment: This sequence change affects a donor splice site in intron 4 of the GYG1 gene. It is expected to disrupt RNA splicing. Variants that disrupt the donor or acceptor splice site typically lead to a loss of protein function (PMID: 16199547), and loss-of-function variants in GYG1 are known to be pathogenic (PMID: 20357282, 25272951). This variant is present in population databases (no rsID available, gnomAD 0.0009%). This variant has not been reported in the literature in individuals affected with GYG1-related conditions. ClinVar contains an entry for this variant (Variation ID: 1516792). Algorithms developed to predict the effect of sequence changes on RNA splicing suggest that this variant may disrupt the consensus splice site. In summary, the currently available evidence indicates that the variant is pathogenic, but additional data are needed to prove that conclusively. Therefore, this variant has been classified as Likely Pathogenic.

Literature cited by the submitters: PubMed 16199547; PubMed 20357282; PubMed 25272951.